The following is an entry in ClinVar:

ClinVar aggregate classification (germline): Likely benign. Review status: reviewed by expert panel (3 of 4 stars). 6 submissions from 6 submitters: Likely benign (1). 5 of the submissions do not count toward it. Last evaluated 2017-06-29.

Conditions:
Hereditary breast ovarian cancer syndrome. Also called: Hereditary breast and ovarian cancer syndrome; Hereditary breast and ovarian cancer syndrome (HBOC); BRCA1- and BRCA2-Associated Hereditary Breast and Ovarian Cancer; Breast and ovarian cancer; Hereditary breast and ovarian cancer; Hereditary breast and/or ovarian cancer syndrome. Identifiers: Orphanet 145, MedGen C0677776, MeSH D061325, MONDO:0003582. Disease mechanism: loss of function.
Breast-ovarian cancer, familial, susceptibility to, 1 (BROVCA1). Also called: OVARIAN CANCER, SUSCEPTIBILITY TO; BRCA1 Hereditary Breast and Ovarian Cancer. Identifiers: Orphanet 145, MedGen C2676676, MONDO:0011450, OMIM 604370. Disease mechanism: loss of function.
Hereditary cancer-predisposing syndrome. Also called: Hereditary Cancer Syndrome; Hereditary neoplastic syndrome; Tumor predisposition; Neoplastic Syndromes, Hereditary. Identifiers: Orphanet 140162, MedGen C0027672, MeSH D009386, MONDO:0015356.

Allele frequency attached by ClinVar (database versions not stated): gnomAD exomes below 0.00001; ExAC 0.00001; TOPMed 0.00002; gnomAD 0.00003.
gnomAD v4.1: 4 of 1,614,066 alleles (0.00025%); highest among the groups gnomAD compares: African/African-American, 0.0053%; no homozygotes.

Submissions (6):

Evidence-based Network for the Interpretation of Germline Mutant Alleles (ENIGMA)
Classification: Likely benign for Breast-ovarian cancer, familial, susceptibility to, 1. Last evaluated: 2017-06-29. Review status: reviewed by expert panel. Criteria: ENIGMA BRCA1/2 Classification Criteria (2017-06-29). Collection method: curation. Allele origin: germline.
Comment: Synonymous substitution variant, with low bioinformatic likelihood to result in a splicing aberration (Splicing prior probability 0.02).

Women's Health and Genetics/Laboratory Corporation of America, LabCorp
Classification: Likely benign. Last evaluated: 2026-06-05. Review status: criteria provided, single submitter. Criteria: LabCorp Variant Classification Summary - May 2015. Collection method: clinical testing. Allele origin: germline. Not counted in ClinVar's aggregate classification.

Labcorp Genetics (formerly Invitae), Labcorp
Classification: Likely benign for Hereditary breast ovarian cancer syndrome. Last evaluated: 2025-11-20. Review status: criteria provided, single submitter. Criteria: Invitae Variant Classification Sherloc (09022015). Collection method: clinical testing. Allele origin: germline. Not counted in ClinVar's aggregate classification.

Quest Diagnostics Nichols Institute San Juan Capistrano
Classification: Likely benign. Last evaluated: 2023-04-22. Review status: criteria provided, single submitter. Criteria: Quest Diagnostics criteria. Collection method: clinical testing. Allele origin: unknown. Not counted in ClinVar's aggregate classification.

Ambry Genetics
Classification: Likely benign for Hereditary cancer-predisposing syndrome. Last evaluated: 2016-04-15. Review status: criteria provided, single submitter. Criteria: Ambry Variant Classification Scheme 2023. Collection method: clinical testing. Allele origin: germline. Not counted in ClinVar's aggregate classification.

Eurofins Ntd Llc (ga)
Classification: Uncertain significance. Last evaluated: 2015-04-20. Review status: criteria provided, single submitter. Criteria: EGL Classification Definitions 2015. Collection method: clinical testing. Allele origin: germline. Observed: 1 variant allele, 1 heterozygote. Not counted in ClinVar's aggregate classification.

Literature cited by the submitters: PubMed 16826315 (cited by Quest Diagnostics Nichols Institute San Juan Capistrano).

NM_007294.4(BRCA1):c.4251G>A (p.Val1417=)

Gene: BRCA1 (BRCA1 DNA repair associated; minus strand). Cytogenetic location: 17q21.31.
Variant type: single nucleotide variant.
Coding change: c.4251G>A on transcript NM_007294.4 (MANE Select); coding-DNA position 4251, G replaced by A.
Protein change: p.Val1417=; no amino-acid change (valine 1417 retained).
Molecular consequence: synonymous variant.
Genome position (GRCh38, 1-based): chr17:43,082,510, C>T on the plus strand (G>A on the coding strand, the complement: BRCA1 is on the minus strand). VCF-style: chr17-43082510-C-T. GRCh37 (hg19) VCF-style: chr17-41234527-C-T.
Other names: c.4038G>A, p.Val1346= (NM_001407571.1, NM_001407853.1, NM_001407894.1 and 12 more transcripts); c.4251G>A, p.Val1417= (NM_001407581.1, NM_001407582.1, NM_001407583.1 and 23 more transcripts); c.4248G>A, p.Val1416= (NM_001407587.1, NM_001407590.1, NM_001407591.1 and 21 more transcripts); c.4245G>A, p.Val1415= (NM_001407627.1, NM_001407628.1, NM_001407629.1 and 5 more transcripts); c.4239G>A, p.Val1413= (NM_001407646.1, NM_001407647.1); c.4128G>A, p.Val1376= (NM_001407648.1, NM_001407664.1, NM_001407665.1 and 13 more transcripts); c.4125G>A, p.Val1375= (NM_001407649.1, NM_001407670.1, NM_001407671.1 and 12 more transcripts); c.4173G>A, p.Val1391= (NM_001407653.1, NM_001407654.1, NM_001407655.1 and 2 more transcripts); and 51 more.
Identifiers: ClinVar variation 194081 (VCV000194081.25), dbSNP rs777057839, ClinGen allele CA002732.